The following is an entry in ClinVar:

ClinVar aggregate classification (germline): Uncertain significance (1 of 4 stars; one submission).

Conditions:
Inborn genetic diseases. Identifiers: MedGen C0950123, MeSH D030342.

gnomAD v4.1: 3 of 1,613,674 alleles (0.00019%); highest among the groups gnomAD compares: African/African-American, 0.0013%; no homozygotes.

Submission:

Ambry Genetics
Classification: Uncertain significance for Inborn genetic diseases. Last evaluated: 2025-01-05. Review status: criteria provided, single submitter. Criteria: Ambry Variant Classification Scheme 2023. Collection method: clinical testing. Allele origin: germline.
Comment: The p.V291F variant (also known as c.871G>T), located in coding exon 4 of the FANCM gene, results from a G to T substitution at nucleotide position 871. The valine at codon 291 is replaced by phenylalanine, an amino acid with highly similar properties. This amino acid position is conserved. In addition, the in silico prediction for this alteration is inconclusive. Based on the available evidence, the clinical significance of this variant remains unclear.

NM_020937.4(FANCM):c.871G>T (p.Val291Phe)

Gene: FANCM (FA complementation group M; plus strand). Cytogenetic location: 14q21.2.
Variant type: single nucleotide variant.
Coding change: c.871G>T on transcript NM_020937.4 (MANE Select); coding-DNA position 871, G replaced by T.
Protein change: p.Val291Phe; replaces valine 291 with phenylalanine.
Molecular consequence: missense variant.
Genome position (GRCh38, 1-based): chr14:45,148,948, G>T. VCF-style: chr14-45148948-G-T. GRCh37 (hg19) VCF-style: chr14-45618151-G-T.
Other names: c.793G>T, p.Val265Phe (NM_001308133.2); c.871G>T, p.Val291Phe (NM_001308134.2); short protein forms V265F, V291F.
Identifiers: ClinVar variation 3848588 (VCV003848588.1).